The following is an entry in ClinVar:

ClinVar aggregate classification (germline): Uncertain significance (1 of 4 stars; one submission).

Conditions:
Combined immunodeficiency due to DOCK8 deficiency (HIES2). Also called: HIES autosomal recessive; HYPER-IgE RECURRENT INFECTION SYNDROME 2, AUTOSOMAL RECESSIVE; DOCK8 Deficiency; Hyper-IgE recurrent infection syndrome, autosomal recessive; HYPER-IgE SYNDROME 2, AUTOSOMAL RECESSIVE, WITH RECURRENT INFECTIONS. Identifiers: Orphanet 217390, MedGen C4722305, MONDO:0009478, OMIM 243700.

Allele frequency attached by ClinVar (database versions not stated): gnomAD exomes below 0.00001; ExAC 0.00001.
gnomAD v4.1: 1 of 1,614,016 alleles (0.000062%); highest among the groups gnomAD compares: East Asian, 0.0022%; no homozygotes.

Submission:

Labcorp Genetics (formerly Invitae), Labcorp
Classification: Uncertain significance for Combined immunodeficiency due to DOCK8 deficiency. Last evaluated: 2022-04-23. Review status: criteria provided, single submitter. Criteria: Invitae Variant Classification Sherloc (09022015). Collection method: clinical testing. Allele origin: germline.
Comment: This sequence change replaces glycine, which is neutral and non-polar, with arginine, which is basic and polar, at codon 66 of the DOCK8 protein (p.Gly66Arg). This variant is present in population databases (rs750973745, gnomAD 0.006%). This variant has not been reported in the literature in individuals affected with DOCK8-related conditions. Algorithms developed to predict the effect of missense changes on protein structure and function (SIFT, PolyPhen-2, Align-GVGD) all suggest that this variant is likely to be tolerated. In summary, the available evidence is currently insufficient to determine the role of this variant in disease. Therefore, it has been classified as a Variant of Uncertain Significance.

NM_203447.4(DOCK8):c.196G>A (p.Gly66Arg)

Genes: DOCK8 (dedicator of cytokinesis 8; plus strand), LOC126860552 (BRD4-independent group 4 enhancer GRCh37_chr9:285795-286994; plus strand). Cytogenetic location: 9p24.3.
Variant type: single nucleotide variant.
Coding change: c.196G>A on transcript NM_203447.4 (MANE Select); coding-DNA position 196, G replaced by A.
Protein change: p.Gly66Arg; replaces glycine 66 with arginine.
Molecular consequence: missense variant. On other transcripts: 5 prime UTR variant (2).
Genome position (GRCh38, 1-based): chr9:286,500, G>A. VCF-style: chr9-286500-G-A. GRCh37 (hg19) VCF-style: chr9-286500-G-A.
Other names: c.-9G>A (NM_001190458.2, NM_001193536.2); short protein forms G66R.
Identifiers: ClinVar variation 2129812 (VCV002129812.1), dbSNP rs750973745, ClinGen allele CA4957133.